The following is an entry in ClinVar:

NM_003126.4(SPTA1):c.5997A>G (p.Gln1999=)

Gene: SPTA1 (spectrin alpha, erythrocytic 1; minus strand). Cytogenetic location: 1q23.1.
Variant type: single nucleotide variant.
Coding change: c.5997A>G on transcript NM_003126.4 (MANE Select); coding-DNA position 5997, A replaced by G.
Protein change: p.Gln1999=; no amino-acid change (glutamine 1999 retained).
Molecular consequence: synonymous variant.
Genome position (GRCh38, 1-based): chr1:158,623,106, T>C on the plus strand (A>G on the coding strand, the complement: SPTA1 is on the minus strand). VCF-style: chr1-158623106-T-C. GRCh37 (hg19) VCF-style: chr1-158592896-T-C.
Identifiers: ClinVar variation 2639474 (VCV002639474.24), dbSNP rs539669652, ClinGen allele CA1182118.
Genomic context (GRCh38, chr1:158,623,106, plus strand): 5'-CTGTTCCCAGCGCTTCAGCAGAGCGGCATAACGCTCTTCAATGGCTTTAGACTGGTTGTG[T>C]TGAGCAGAAATCAGTTTGTCCTTCAGGTCAGTGATCTCGGGAAGTCTCTCTTGCTGGAAA-3'
Protein context (NP_003117.2, residues 1989-2009): TDLKDKLISA[Gln1999=]HNQSKAIEER

ClinVar aggregate classification (germline): Likely benign (1 of 4 stars; one submission).

Allele frequency attached by ClinVar (database versions not stated): ExAC 0.00002.
gnomAD v4.1: 48 of 1,614,046 alleles (0.003%); highest among the groups gnomAD compares: Non-Finnish European, 0.0039%; no homozygotes.

Submission:

CeGaT Center for Human Genetics Tuebingen
Classification: Likely benign. Last evaluated: 2023-03-01. Review status: criteria provided, single submitter. Criteria: CeGaT Center For Human Genetics Tuebingen Variant Classification Criteria Version 2. Collection method: clinical testing. Allele origin: germline. Affected: yes. Observed: 1 variant allele.
Comment: SPTA1: BP4, BP7